The following is an entry in ClinVar:

NM_004612.4(TGFBR1):c.188A>G (p.Asp63Gly)

Gene: TGFBR1 (transforming growth factor beta receptor 1; plus strand). Cytogenetic location: 9q22.33.
Variant type: single nucleotide variant.
Coding change: c.188A>G on transcript NM_004612.4 (MANE Select); coding-DNA position 188, A replaced by G.
Protein change: p.Asp63Gly; replaces aspartic acid 63 with glycine.
Molecular consequence: missense variant. On other transcripts: non-coding transcript variant (4), intron variant (3), 5 prime UTR variant (15).
Genome position (GRCh38, 1-based): chr9:99,128,945, A>G. VCF-style: chr9-99128945-A-G. GRCh37 (hg19) VCF-style: chr9-101891227-A-G.
Other names: c.98-3564A>G (NM_001407436.1); c.98-8914A>G (NM_001407438.1); c.98-13591A>G (NM_001407437.1); c.188A>G, p.Asp63Gly (NM_001130916.3, NM_001306210.2, NM_001407435.1 and 2 more transcripts); c.-20A>G (NM_001407434.1, NM_001407418.1, NM_001407419.1 and 12 more transcripts); short protein forms D63G.
Identifiers: ClinVar variation 5037885 (VCV005037885.1), dbSNP rs765004526.

ClinVar aggregate classification (germline): Uncertain significance (1 of 4 stars; one submission).

Conditions:
Cardiovascular phenotype. Identifiers: MedGen CN230736.

Submission:

Molecular Diagnostic Laboratory for Inherited Cardiovascular Disease, Montreal Heart Institute
Classification: Uncertain significance for Cardiovascular phenotype. Last evaluated: 2026-09-21. Review status: criteria provided, single submitter. Criteria: ACMG Guidelines, 2015. Collection method: clinical testing. Allele origin: germline. Affected: yes.
Comment: PM2, PP2